The following is an entry in ClinVar:

ClinVar aggregate classification (germline): Uncertain significance (1 of 4 stars; one submission).

Allele frequency attached by ClinVar (database versions not stated): ExAC 0.00002; gnomAD 0.00001; TOPMed 0.00001; gnomAD exomes 0.00002.
gnomAD v4.1: 32 of 1,613,112 alleles (0.002%); highest among the groups gnomAD compares: Admixed American, 0.0033%; no homozygotes.

Submission:

Labcorp Genetics (formerly Invitae), Labcorp
Classification: Uncertain significance. Last evaluated: 2025-03-10. Review status: criteria provided, single submitter. Criteria: Invitae Variant Classification Sherloc (09022015). Collection method: clinical testing. Allele origin: germline.
Comment: This sequence change replaces glutamine, which is neutral and polar, with arginine, which is basic and polar, at codon 485 of the ITGAM protein (p.Gln485Arg). This variant is present in population databases (rs776524892, gnomAD 0.003%). This variant has not been reported in the literature in individuals affected with ITGAM-related conditions. ClinVar contains an entry for this variant (Variation ID: 2999352). An algorithm developed to predict the effect of missense changes on protein structure and function (PolyPhen-2) suggests that this variant is likely to be tolerated. In summary, the available evidence is currently insufficient to determine the role of this variant in disease. Therefore, it has been classified as a Variant of Uncertain Significance.

NM_000632.4(ITGAM):c.1454A>G (p.Gln485Arg)

Gene: ITGAM (integrin subunit alpha M; plus strand). Cytogenetic location: 16p11.2.
Variant type: single nucleotide variant.
Coding change: c.1454A>G on transcript NM_000632.4 (MANE Select); coding-DNA position 1454, A replaced by G.
Protein change: p.Gln485Arg; replaces glutamine 485 with arginine.
Molecular consequence: missense variant.
Genome position (GRCh38, 1-based): chr16:31,297,611, A>G. VCF-style: chr16-31297611-A-G. GRCh37 (hg19) VCF-style: chr16-31308932-A-G.
Other names: c.1454A>G, p.Gln485Arg (NM_001145808.2); short protein forms Q485R.
Identifiers: ClinVar variation 2999352 (VCV002999352.3), dbSNP rs776524892, ClinGen allele CA8025551.